The following is an entry in ClinVar:

NM_007294.4(BRCA1):c.725G>C (p.Ser242Thr)

Gene: BRCA1 (BRCA1 DNA repair associated; minus strand). Cytogenetic location: 17q21.31.
Variant type: single nucleotide variant.
Coding change: c.725G>C on transcript NM_007294.4 (MANE Select); coding-DNA position 725, G replaced by C.
Protein change: p.Ser242Thr; replaces serine 242 with threonine.
Molecular consequence: missense variant. On other transcripts: non-coding transcript variant (1).
Genome position (GRCh38, 1-based): chr17:43,094,806, C>G on the plus strand (G>C on the coding strand, the complement: BRCA1 is on the minus strand). VCF-style: chr17-43094806-C-G. GRCh37 (hg19) VCF-style: chr17-41246823-C-G.
Other names: c.725G>C, p.Ser242Thr (NM_001407968.1, NM_001407969.1, NM_001407970.1 and 54 more transcripts); c.722G>C, p.Ser241Thr (NM_001407972.1, NM_001407991.1, NM_001407992.1 and 38 more transcripts); c.461G>C, p.Ser154Thr (NM_001408497.1, NM_001408498.1, NM_001408499.1 and 15 more transcripts); c.392G>C, p.Ser131Thr (NM_001408502.1, NM_001407946.1, NM_001407947.1 and 7 more transcripts); c.458G>C, p.Ser153Thr (NM_001408503.1, NM_001408504.1, NM_001408505.1 and 5 more transcripts); c.389G>C, p.Ser130Thr (NM_001408508.1, NM_001408509.1, NM_001407954.1 and 3 more transcripts); c.344G>C, p.Ser115Thr (NM_001408510.1, NM_001407959.1, NM_001407960.1 and 1 more transcripts); c.221G>C, p.Ser74Thr (NM_001408512.1, NM_001407965.1); and 14 more; short protein forms S195T, S242T, S114T, S154T, S172T, S201T, S215T, S74T.
Identifiers: ClinVar variation 1381948 (VCV001381948.9), dbSNP rs2054059120, ClinGen allele CA10600634.

ClinVar aggregate classification (germline): Conflicting classifications of pathogenicity. Review status: criteria provided, conflicting classifications (1 of 4 stars). 2 submissions from 2 submitters: Uncertain significance (1); Likely benign (1). Last evaluated 2023-03-23.

Conditions:
Hereditary cancer-predisposing syndrome. Also called: Tumor predisposition; Neoplastic Syndromes, Hereditary; Hereditary Cancer Syndrome; Hereditary neoplastic syndrome. Identifiers: Orphanet 140162, MedGen C0027672, MeSH D009386, MONDO:0015356.
Hereditary breast ovarian cancer syndrome. Also called: Hereditary breast and ovarian cancer syndrome (HBOC); Breast and ovarian cancer; BRCA1- and BRCA2-Associated Hereditary Breast and Ovarian Cancer; Hereditary breast and ovarian cancer; Hereditary breast and ovarian cancer syndrome; Hereditary breast and/or ovarian cancer syndrome. Identifiers: Orphanet 145, MedGen C0677776, MeSH D061325, MONDO:0003582. Disease mechanism: loss of function.

Submissions (2):

University of Washington Department of Laboratory Medicine, University of Washington
Classification: Likely benign for Hereditary cancer-predisposing syndrome. Last evaluated: 2023-03-23. Review status: criteria provided, single submitter. Criteria: Dines et al. (Genet Med. 2020). Collection method: curation. Allele origin: germline.
Comment: Missense variant in a coldspot region where missense variants are very unlikely to be pathogenic (PMID:31911673).

BRCA1 coldspot (exon 11 using historical exon numbering). Reclassification based on statistical prior probability

Labcorp Genetics (formerly Invitae), Labcorp
Classification: Uncertain significance for Hereditary breast ovarian cancer syndrome. Last evaluated: 2022-06-13. Review status: criteria provided, single submitter. Criteria: Invitae Variant Classification Sherloc (09022015). Collection method: clinical testing. Allele origin: germline.
Comment: This variant has not been reported in the literature in individuals affected with BRCA1-related conditions. This variant is not present in population databases (gnomAD no frequency). This sequence change replaces serine, which is neutral and polar, with threonine, which is neutral and polar, at codon 242 of the BRCA1 protein (p.Ser242Thr). Advanced modeling of protein sequence and biophysical properties (such as structural, functional, and spatial information, amino acid conservation, physicochemical variation, residue mobility, and thermodynamic stability) performed at Invitae indicates that this missense variant is not expected to disrupt BRCA1 protein function. In summary, the available evidence is currently insufficient to determine the role of this variant in disease. Therefore, it has been classified as a Variant of Uncertain Significance.